The following is an entry in ClinVar:

ClinVar aggregate classification (germline): Uncertain significance (1 of 4 stars; one submission).

Allele frequency attached by ClinVar (database versions not stated): gnomAD exomes 0.00002; gnomAD 0.00010; TOPMed 0.00014.
gnomAD v4.1: 42 of 1,612,964 alleles (0.0026%); highest among the groups gnomAD compares: Admixed American, 0.042%; no homozygotes.

Submission:

Labcorp Genetics (formerly Invitae), Labcorp
Classification: Uncertain significance. Last evaluated: 2021-12-24. Review status: criteria provided, single submitter. Criteria: Invitae Variant Classification Sherloc (09022015). Collection method: clinical testing. Allele origin: germline.
Comment: In summary, the available evidence is currently insufficient to determine the role of this variant in disease. Therefore, it has been classified as a Variant of Uncertain Significance. Algorithms developed to predict the effect of missense changes on protein structure and function (SIFT, PolyPhen-2, Align-GVGD) all suggest that this variant is likely to be tolerated. This variant has not been reported in the literature in individuals affected with SLC25A4-related conditions. This variant is present in population databases (no rsID available, gnomAD 0.03%). This sequence change replaces alanine, which is neutral and non-polar, with threonine, which is neutral and polar, at codon 149 of the SLC25A4 protein (p.Ala149Thr).

NM_001151.4(SLC25A4):c.445G>A (p.Ala149Thr)

Gene: SLC25A4 (solute carrier family 25 member 4; plus strand). Cytogenetic location: 4q35.1.
Variant type: single nucleotide variant.
Coding change: c.445G>A on transcript NM_001151.4 (MANE Select); coding-DNA position 445, G replaced by A.
Protein change: p.Ala149Thr; replaces alanine 149 with threonine.
Molecular consequence: missense variant.
Genome position (GRCh38, 1-based): chr4:185,145,097, G>A. VCF-style: chr4-185145097-G-A. GRCh37 (hg19) VCF-style: chr4-186066251-G-A.
Other names: short protein forms A149T.
Identifiers: ClinVar variation 1929799 (VCV001929799.5), dbSNP rs1468212457, ClinGen allele CA358896635.
Genomic context (GRCh38, chr4:185,145,097, plus strand): 5'-TGCTTTGTCTACCCGCTGGACTTTGCTAGGACCAGGTTGGCTGCTGATGTGGGCAAGGGC[G>A]CCGCCCAGCGTGAGTTCCATGGTCTGGGCGACTGTATCATCAAGATCTTCAAGTCTGATG-3'
Protein context (NP_001142.2, residues 139-159): TRLAADVGKG[Ala149Thr]AQREFHGLGD